The following is an entry in ClinVar:

ClinVar aggregate classification (germline): Uncertain significance (1 of 4 stars; one submission).

Conditions:
DPM3-congenital disorder of glycosylation (MDDGC15). Also called: CDG Io; CDG1(DPM3); MUSCULAR DYSTROPHY-DYSTROGLYCANOPATHY (LIMB-GIRDLE), TYPE C, 15; DPM3-CDG. Identifiers: Orphanet 263494, MedGen C2752007, MONDO:0013049, OMIM 612937.

Allele frequency attached by ClinVar (database versions not stated): gnomAD exomes below 0.00001.
gnomAD v4.1: 1 of 1,614,034 alleles (0.000062%); highest among the groups gnomAD compares: South Asian, 0.0011%; no homozygotes.

Submission:

Labcorp Genetics (formerly Invitae), Labcorp
Classification: Uncertain significance for DPM3-congenital disorder of glycosylation. Last evaluated: 2024-01-08. Review status: criteria provided, single submitter. Criteria: Invitae Variant Classification Sherloc (09022015). Collection method: clinical testing. Allele origin: germline.
Comment: This sequence change replaces alanine, which is neutral and non-polar, with valine, which is neutral and non-polar, at codon 62 of the DPM3 protein (p.Ala62Val). This variant is not present in population databases (gnomAD no frequency). This variant has not been reported in the literature in individuals affected with DPM3-related conditions. ClinVar contains an entry for this variant (Variation ID: 538431). An algorithm developed to predict the effect of missense changes on protein structure and function (PolyPhen-2) suggests that this variant is likely to be disruptive. In summary, the available evidence is currently insufficient to determine the role of this variant in disease. Therefore, it has been classified as a Variant of Uncertain Significance.

NM_153741.2(DPM3):c.185C>T (p.Ala62Val)

Gene: DPM3 (dolichyl-phosphate mannosyltransferase subunit 3, regulatory; minus strand). Cytogenetic location: 1q22.
Variant type: single nucleotide variant.
Coding change: c.185C>T on transcript NM_153741.2 (MANE Select); coding-DNA position 185, C replaced by T.
Protein change: p.Ala62Val; replaces alanine 62 with valine.
Molecular consequence: missense variant.
Genome position (GRCh38, 1-based): chr1:155,140,056, G>A on the plus strand (C>T on the coding strand, the complement: DPM3 is on the minus strand). VCF-style: chr1-155140056-G-A. GRCh37 (hg19) VCF-style: chr1-155112532-G-A.
Other names: c.275C>T, p.Ala92Val (NM_018973.4); short protein forms A62V, A92V.
Identifiers: ClinVar variation 538431 (VCV000538431.9), dbSNP rs1553190791, ClinGen allele CA342663276.
Genomic context (GRCh38, chr1:155,140,056, plus strand): 5'-CGGGCCTCCTGTATCTGGCTCTGCAGCTCGCGTGCGGCGTCCTCGCAGTCATGAAAAGTG[G>A]CCACACGATAGCCCACAGTGCCCAGGGCATAGCAGCCGGCGGACACCAGCAAGTAGGCGG-3'
Protein context (NP_714963.1, residues 52-72): YALGTVGYRV[Ala62Val]TFHDCEDAAR